The following is an entry in ClinVar:

NM_015978.3(TNNI3K):c.1349C>A (p.Ala450Asp)

Genes: FPGT-TNNI3K (FPGT-TNNI3K readthrough; plus strand), TNNI3K (TNNI3 interacting kinase; plus strand). Cytogenetic location: 1p31.1.
Variant type: single nucleotide variant.
Coding change: c.1349C>A on transcript NM_015978.3 (MANE Select); coding-DNA position 1349, C replaced by A.
Protein change: p.Ala450Asp; replaces alanine 450 with aspartic acid.
Molecular consequence: missense variant.
Genome position (GRCh38, 1-based): chr1:74,369,049, C>A. VCF-style: chr1-74369049-C-A. GRCh37 (hg19) VCF-style: chr1-74834733-C-A.
Other names: c.1652C>A, p.Ala551Asp (NM_001112808.3, NM_001199327.2); short protein forms A450D, A551D.
Identifiers: ClinVar variation 1966132 (VCV001966132.6), dbSNP rs1365720705, ClinGen allele CA340785760.

ClinVar aggregate classification (germline): Uncertain significance. Review status: criteria provided, multiple submitters, no conflicts (2 of 4 stars). 2 submissions from 2 submitters: Uncertain significance (2). Last evaluated 2024-11-08.

gnomAD v4.1: 1 of 1,608,720 alleles (0.000062%); highest among the groups gnomAD compares: Non-Finnish European, 0.000085%; no homozygotes.

Submissions (2):

Blueprint Genetics
Classification: Uncertain significance. Last evaluated: 2024-11-08. Review status: criteria provided, single submitter. Criteria: ACMG Guidelines, 2015. Collection method: clinical testing. Allele origin: germline.

Labcorp Genetics (formerly Invitae), Labcorp
Classification: Uncertain significance. Last evaluated: 2024-05-13. Review status: criteria provided, single submitter. Criteria: Invitae Variant Classification Sherloc (09022015). Collection method: clinical testing. Allele origin: germline.
Comment: This sequence change replaces alanine, which is neutral and non-polar, with aspartic acid, which is acidic and polar, at codon 450 of the TNNI3K protein (p.Ala450Asp). This variant is not present in population databases (gnomAD no frequency). This variant has not been reported in the literature in individuals affected with TNNI3K-related conditions. ClinVar contains an entry for this variant (Variation ID: 1966132). Advanced modeling of protein sequence and biophysical properties (such as structural, functional, and spatial information, amino acid conservation, physicochemical variation, residue mobility, and thermodynamic stability) performed at Invitae indicates that this missense variant is not expected to disrupt TNNI3K protein function with a negative predictive value of 80%. In summary, the available evidence is currently insufficient to determine the role of this variant in disease. Therefore, it has been classified as a Variant of Uncertain Significance.